The following is an entry in ClinVar:

ClinVar aggregate classification (germline): Benign (0 of 4 stars; one submission).

Conditions:
DHPS-related disorder. Also called: DHPS-related condition.

Allele frequency attached by ClinVar (database versions not stated): gnomAD 0.03551; ESP Exome Variant Server 0.03883; TOPMed 0.03949; 1000 Genomes Project 0.04253; 1000 Genomes Project 30x 0.04700; gnomAD exomes 0.00358; ExAC 0.01161.
gnomAD v4.1: 10,928 of 1,614,210 alleles (0.68%); highest among the groups gnomAD compares: African/African-American, 12%; 623 homozygotes.

Submission:

PreventionGenetics, part of Exact Sciences
Classification: Benign for DHPS-related condition. Last evaluated: 2019-12-09. Review status: no assertion criteria provided. Collection method: clinical testing. Allele origin: germline.
Comment: This variant is classified as benign based on ACMG/AMP sequence variant interpretation guidelines (Richards et al. 2015 PMID: 25741868, with internal and published modifications).

NM_001930.4(DHPS):c.204C>T (p.Ala68=)

Genes: DHPS (deoxyhypusine synthase; minus strand), LOC112543448 (CRISPRi-FlowFISH-validated WDR83OS regulatory elements; plus strand). Cytogenetic location: 19p13.13.
Variant type: single nucleotide variant.
Coding change: c.204C>T on transcript NM_001930.4 (MANE Select); coding-DNA position 204, C replaced by T.
Protein change: p.Ala68=; no amino-acid change (alanine 68 retained).
Molecular consequence: synonymous variant. On other transcripts: 5 prime UTR variant (1), non-coding transcript variant (3).
Genome position (GRCh38, 1-based): chr19:12,681,563, G>A on the plus strand (C>T on the coding strand, the complement: DHPS is on the minus strand). VCF-style: chr19-12681563-G-A. GRCh37 (hg19) VCF-style: chr19-12792377-G-A.
Other names: c.204C>T, p.Ala68= (NM_001369691.1, NM_001369692.1, NM_013406.3 and 1 more transcripts); c.-311C>T (NM_001369693.1).
Identifiers: ClinVar variation 3056608 (VCV003056608.2), dbSNP rs11541391, ClinGen allele CA9227978.